The following is an entry in ClinVar:

NM_001184.4(ATR):c.3611A>G (p.Asp1204Gly)

Gene: ATR (ATR checkpoint kinase; minus strand). Cytogenetic location: 3q23.
Variant type: single nucleotide variant.
Coding change: c.3611A>G on transcript NM_001184.4 (MANE Select); coding-DNA position 3611, A replaced by G.
Protein change: p.Asp1204Gly; replaces aspartic acid 1204 with glycine.
Molecular consequence: missense variant.
Genome position (GRCh38, 1-based): chr3:142,538,596, T>C on the plus strand (A>G on the coding strand, the complement: ATR is on the minus strand). VCF-style: chr3-142538596-T-C. GRCh37 (hg19) VCF-style: chr3-142257438-T-C.
Other names: c.3419A>G, p.Asp1140Gly (NM_001354579.2); short protein forms D1140G, D1204G.
Identifiers: ClinVar variation 1346820 (VCV001346820.11), dbSNP rs749952876, ClinGen allele CA354807605.
Genomic context (GRCh38, chr3:142,538,596, plus strand): 5'-TGTATAAGAGGTAACAAAGCTACTATTACATGACTGAGAAGGGAGCCCAGACAAGCATGA[T>C]CCAGGCAGCGAACAAAGCAGTCCCAAGCTCTATGTGAAAAAACAAATAGAAATGAAGTCC-3'
Protein context (NP_001175.2, residues 1194-1214): RAWDCFVRCL[Asp1204Gly]HACLGSLLSH

ClinVar aggregate classification (germline): Uncertain significance. Review status: criteria provided, multiple submitters, no conflicts (2 of 4 stars). 4 submissions from 3 submitters: Uncertain significance (4). Last evaluated 2025-01-23.

Conditions:
Seckel syndrome 1 (SCKL1). Also called: MICROCEPHALIC PRIMORDIAL DWARFISM I. Identifiers: Orphanet 808, MedGen C4551474, MONDO:0008869, OMIM 210600.
Inborn genetic diseases. Identifiers: MedGen C0950123, MeSH D030342.
Familial cutaneous telangiectasia and oropharyngeal predisposition cancer syndrome. Identifiers: Orphanet 313846, MedGen C3281203, MONDO:0013806, OMIM 614564.

Allele frequency attached by ClinVar (database versions not stated): TOPMed below 0.00001; gnomAD 0.00001.
gnomAD v4.1: 3 of 1,613,364 alleles (0.00019%); highest among the groups gnomAD compares: Admixed American, 0.0017%; no homozygotes.

Submissions (4):

Ambry Genetics
Classification: Uncertain significance for Inborn genetic diseases. Last evaluated: 2025-01-23. Review status: criteria provided, single submitter. Criteria: Ambry Variant Classification Scheme 2023. Collection method: clinical testing. Allele origin: germline.

Genome-Nilou Lab
Classification: Uncertain significance for Seckel syndrome 1. Last evaluated: 2023-02-08. Review status: criteria provided, single submitter. Criteria: ACMG Guidelines, 2015. Collection method: clinical testing. Allele origin: germline.

Genome-Nilou Lab
Classification: Uncertain significance for Familial cutaneous telangiectasia and oropharyngeal predisposition cancer syndrome. Last evaluated: 2023-02-08. Review status: criteria provided, single submitter. Criteria: ACMG Guidelines, 2015. Collection method: clinical testing. Allele origin: germline.

Labcorp Genetics (formerly Invitae), Labcorp
Classification: Uncertain significance. Last evaluated: 2022-10-24. Review status: criteria provided, single submitter. Criteria: Invitae Variant Classification Sherloc (09022015). Collection method: clinical testing. Allele origin: germline.
Comment: This variant has not been reported in the literature in individuals affected with ATR-related conditions. In summary, the available evidence is currently insufficient to determine the role of this variant in disease. Therefore, it has been classified as a Variant of Uncertain Significance. Algorithms developed to predict the effect of missense changes on protein structure and function are either unavailable or do not agree on the potential impact of this missense change (SIFT: "Tolerated"; PolyPhen-2: "Possibly Damaging"; Align-GVGD: "Class C15"). ClinVar contains an entry for this variant (Variation ID: 1346820). This variant is present in population databases (no rsID available, gnomAD 0.003%). This sequence change replaces aspartic acid, which is acidic and polar, with glycine, which is neutral and non-polar, at codon 1204 of the ATR protein (p.Asp1204Gly).